The following is an entry in ClinVar:

NC_000008.11:g.(?_117799692)_(118111066_?)del

Gene: EXT1 (exostosin glycosyltransferase 1; minus strand). Cytogenetic location: 8q24.11.
Variant type: Deletion.
Identifiers: ClinVar variation 833433 (VCV000833433.1).

ClinVar aggregate classification (germline): Pathogenic (1 of 4 stars; one submission).

Conditions:
Multiple congenital exostosis (EXT). Also called: Hereditary multiple exostoses; Hereditary multiple exostosis; Hereditary multiple osteochondromas; MULTIPLE CARTILAGINOUS EXOSTOSES; Multiple exostoses; Multiple osteochondromas. Identifiers: Orphanet 321, MedGen C0015306, MONDO:0005508, HP:0002762.

Submission:

Labcorp Genetics (formerly Invitae), Labcorp
Classification: Pathogenic for Multiple congenital exostosis. Last evaluated: 2019-04-09. Review status: criteria provided, single submitter. Criteria: Invitae Variant Classification Sherloc (09022015). Collection method: clinical testing. Allele origin: germline.
Comment: A gross deletion of the genomic region encompassing the full coding sequence of the EXT1 gene has been identified. The boundaries of this event are unknown as the deletion extends beyond the assayed region for this gene and therefore may encompass additional genes. A similar whole gene deletion of EXT1 has been reported in several individuals affected with multiple exotoses (PMID: 29126381). Loss-of-function variants in EXT1 are known to be pathogenic (PMID: 10679937, 11391482, 19810120). For these reasons, this variant has been classified as Pathogenic.

Literature cited by the submitters: PubMed 29126381.